The following is an entry in ClinVar:

ClinVar aggregate classification (germline): Uncertain significance (1 of 4 stars; one submission).

Conditions:
Hypertrophic cardiomyopathy. Also called: HYPERTROPHIC MYOCARDIOPATHY. Identifiers: Orphanet 217569, MedGen C0007194, MeSH D002312, MONDO:0005045, HP:0001639.

Submission:

Labcorp Genetics (formerly Invitae), Labcorp
Classification: Uncertain significance for Hypertrophic cardiomyopathy. Last evaluated: 2024-01-15. Review status: criteria provided, single submitter. Criteria: Invitae Variant Classification Sherloc (09022015). Collection method: clinical testing. Allele origin: germline.
Comment: This sequence change creates a premature translational stop signal (p.Gly187Alafs*119) in the JPH2 gene. It is expected to result in an absent or disrupted protein product. However, the current clinical and genetic evidence is not sufficient to establish whether loss-of-function variants in JPH2 cause disease. This variant is not present in population databases (gnomAD no frequency). This variant has not been reported in the literature in individuals affected with JPH2-related conditions. In summary, the available evidence is currently insufficient to determine the role of this variant in disease. Therefore, it has been classified as a Variant of Uncertain Significance.

NM_020433.5(JPH2):c.560del (p.Gly187fs)

Gene: JPH2 (junctophilin 2; minus strand). Cytogenetic location: 20q13.12.
Variant type: Deletion.
Coding change: c.560del on transcript NM_020433.5 (MANE Select); coding-DNA position 560, one base deleted (G; older notation c.560delG).
Protein change: p.Gly187fs; shifts the reading frame from glycine 187.
Molecular consequence: frameshift variant.
Genome position (GRCh38, 1-based): chr20:44,160,227, C deleted on the plus strand (G on the coding strand, the reverse complement: JPH2 is on the minus strand); the first of 2 consecutive C bases (chr20:44,160,227-44,160,228); deleting either gives the same sequence. VCF-style (leftmost placement, unchanged base first): chr20-44160226-GC-G. GRCh37 (hg19) VCF-style: chr20-42788866-GC-G.
Other names: short protein forms G187fs.
Identifiers: ClinVar variation 2997047 (VCV002997047.3), dbSNP rs2072600102, ClinGen allele CA2365647796.